The following is an entry in ClinVar:

NM_024747.6(HPS6):c.1733G>A (p.Arg578Gln)

Gene: HPS6 (HPS6 biogenesis of lysosomal organelles complex 2 subunit 3; plus strand). Cytogenetic location: 10q24.32.
Variant type: single nucleotide variant.
Coding change: c.1733G>A on transcript NM_024747.6 (MANE Select); coding-DNA position 1733, G replaced by A.
Protein change: p.Arg578Gln; replaces arginine 578 with glutamine.
Molecular consequence: missense variant.
Genome position (GRCh38, 1-based): chr10:102,067,207, G>A. VCF-style: chr10-102067207-G-A. GRCh37 (hg19) VCF-style: chr10-103826964-G-A.
Other names: short protein forms R578Q.
Identifiers: ClinVar variation 2178123 (VCV002178123.1), dbSNP rs916659310, ClinGen allele CA212201694.

ClinVar aggregate classification (germline): Uncertain significance (1 of 4 stars; one submission).

Allele frequency attached by ClinVar (database versions not stated): TOPMed below 0.00001; gnomAD 0.00001.

Submission:

Labcorp Genetics (formerly Invitae), Labcorp
Classification: Uncertain significance. Last evaluated: 2022-04-16. Review status: criteria provided, single submitter. Criteria: Invitae Variant Classification Sherloc (09022015). Collection method: clinical testing. Allele origin: germline.
Comment: This sequence change replaces arginine, which is basic and polar, with glutamine, which is neutral and polar, at codon 578 of the HPS6 protein (p.Arg578Gln). This variant is present in population databases (no rsID available, gnomAD 0.004%). This variant has not been reported in the literature in individuals affected with HPS6-related conditions. Algorithms developed to predict the effect of missense changes on protein structure and function output the following: SIFT: "Tolerated"; PolyPhen-2: "Benign"; Align-GVGD: "Class C0". The glutamine amino acid residue is found in multiple mammalian species, which suggests that this missense change does not adversely affect protein function. In summary, the available evidence is currently insufficient to determine the role of this variant in disease. Therefore, it has been classified as a Variant of Uncertain Significance.